The following is an entry in ClinVar:

NM_207122.2(EXT2):c.580G>T (p.Gly194Ter)

Gene: EXT2 (exostosin glycosyltransferase 2; plus strand). Cytogenetic location: 11p11.2.
Variant type: single nucleotide variant.
Coding change: c.580G>T on transcript NM_207122.2 (MANE Select); coding-DNA position 580, G replaced by T.
Protein change: p.Gly194Ter; replaces glycine 194 with a stop codon.
Molecular consequence: nonsense.
Genome position (GRCh38, 1-based): chr11:44,109,237, G>T. VCF-style: chr11-44109237-G-T. GRCh37 (hg19) VCF-style: chr11-44130787-G-T.
Other names: c.679G>T, p.Gly227Ter (NM_000401.3); c.580G>T, p.Gly194Ter (NM_001178083.3, NM_001389628.1, NM_001389630.1); short protein forms G194*, G227*.
Identifiers: ClinVar variation 265473 (VCV000265473.2), dbSNP rs886039566, ClinGen allele CA10588521.

ClinVar aggregate classification (germline): Pathogenic (1 of 4 stars; one submission).

Submission:

GeneDx
Classification: Pathogenic. Last evaluated: 2016-04-14. Review status: criteria provided, single submitter. Criteria: GeneDx Variant Classification (06012015). Collection method: clinical testing. Allele origin: germline. Affected: yes.
Comment: The G194X nonsense variant in the EXT2 gene has been reported previously in association with hereditary multiple exostoses (Francannet et al., 2001; Chen et al., 2006). The variant was not observed in approximately 6,500 individuals of European and African American ancestry in the NHLBI Exome Sequencing Project, indicating it is not a common benign variant in these populations. This pathogenic variant is predicted to cause loss of normal protein function either through protein truncation or nonsense-mediated mRNA decay.